The following is an entry in ClinVar:

ClinVar aggregate classification (germline): Pathogenic (1 of 4 stars; one submission).

Submission:

Labcorp Genetics (formerly Invitae), Labcorp
Classification: Pathogenic. Last evaluated: 2024-12-13. Review status: criteria provided, single submitter. Criteria: Invitae Variant Classification Sherloc (09022015). Collection method: clinical testing. Allele origin: germline.
Comment: This sequence change creates a premature translational stop signal (p.Ser249Cysfs*22) in the OTOA gene. It is expected to result in an absent or disrupted protein product. Loss-of-function variants in OTOA are known to be pathogenic (PMID: 11972037). This variant is present in population databases (no rsID available, gnomAD 0.003%). This variant has not been reported in the literature in individuals affected with OTOA-related conditions. For these reasons, this variant has been classified as Pathogenic.

Literature cited by the submitters: PubMed 11972037.

NM_144672.4(OTOA):c.746_747del (p.Ser249fs)

Gene: OTOA (otoancorin). Cytogenetic location: 16p12.2.
Variant type: Microsatellite.
Coding change: c.746_747del on transcript NM_144672.4 (MANE Select); coding-DNA positions 746 to 747, 2 bases deleted.
Protein change: p.Ser249fs; shifts the reading frame from serine 249.
Molecular consequence: frameshift variant.
Genome position: GRCh38 VCF-style: chr16-21697778-ACT-A. GRCh37 (hg19) VCF-style: chr16-21709099-ACT-A.
Other names: c.509_510del, p.Ser170fs (NM_001161683.2); short protein forms S170fs, S249fs.
Identifiers: ClinVar variation 2850166 (VCV002850166.3), dbSNP rs1567373723, ClinGen allele CA621299585.